The following is an entry in ClinVar:

NM_000525.4(KCNJ11):c.560C>T (p.Ala187Val)

Gene: KCNJ11 (potassium inwardly rectifying channel subfamily J member 11; minus strand). Cytogenetic location: 11p15.1.
Variant type: single nucleotide variant.
Coding change: c.560C>T on transcript NM_000525.4 (MANE Select); coding-DNA position 560, C replaced by T.
Protein change: p.Ala187Val; replaces alanine 187 with valine.
Molecular consequence: missense variant.
Genome position (GRCh38, 1-based): chr11:17,387,532, G>A on the plus strand (C>T on the coding strand, the complement: KCNJ11 is on the minus strand). VCF-style: chr11-17387532-G-A. GRCh37 (hg19) VCF-style: chr11-17409079-G-A.
Other names: c.299C>T, p.Ala100Val (NM_001166290.2, NM_001377296.1, NM_001377297.1); short protein forms A187V, A100V.
Identifiers: ClinVar variation 551187 (VCV000551187.12), dbSNP rs1371185696, ClinGen allele CA379772664.
Genomic context (GRCh38, chr11:17,387,532, plus strand): 5'-TTGCGGAGGTCACCCACACGTAGCATGAAGCAGAGGCGGCCGTGGCGCAGGGCGATCACC[G>A]CATGCTTGCTGAAGATGAGGGTCTCAGCCCTGCGGTGGGCTTGGGCAGTCTTCATGAAGA-3'
Protein context (NP_000516.3, residues 177-197): RAETLIFSKH[Ala187Val]VIALRHGRLC

ClinVar aggregate classification (germline): Pathogenic/Likely pathogenic. Review status: criteria provided, multiple submitters, no conflicts (2 of 4 stars). 5 submissions from 5 submitters: Pathogenic (1); Likely pathogenic (2). 2 of the submissions do not count toward it. Last evaluated 2025-07-11.

Conditions:
Diabetes mellitus, transient neonatal, 3 (TNDM3). Identifiers: Orphanet 99886, MedGen C1864623, MONDO:0012522, OMIM 610582. Disease mechanism: loss of function.
Hyperinsulinemic hypoglycemia, familial, 2. Also called: HYPERINSULINEMIC HYPOGLYCEMIA, PERSISTENT; HYPERINSULINISM, NEONATAL. Identifiers: Orphanet 276580, Orphanet 276603, MedGen C2931833, MONDO:0011153, OMIM 601820. Disease mechanism: loss of function.
Permanent neonatal diabetes mellitus 1. Also called: GCK-Related Permanent Neonatal Diabetes Mellitus. Identifiers: MedGen C5393570, MONDO:0100165, OMIM 606176.
Maturity-onset diabetes of the young (MODY). Also called: Maturity onset diabetes mellitus in young. Identifiers: Orphanet 552, MedGen C0342276, MONDO:0018911, HP:0004904.
Familial hyperinsulinism. Also called: Congenital hyperinsulinism. Identifiers: Orphanet 276525, MedGen C3888018, MONDO:0017182. Disease mechanism: loss of function.
Permanent neonatal diabetes mellitus (PNDM). Identifiers: Orphanet 99885, MedGen C1833104, MONDO:0100164, MONDO:0011643. Disease mechanism: gain of function.

Allele frequency attached by ClinVar (database versions not stated): gnomAD exomes below 0.00001; gnomAD 0.00001; TOPMed 0.00001.

Submissions (5):

Women's Health and Genetics/Laboratory Corporation of America, LabCorp
Classification: Likely pathogenic for Familial hyperinsulinism. Last evaluated: 2025-07-11. Review status: criteria provided, single submitter. Criteria: LabCorp Variant Classification Summary - May 2015. Collection method: clinical testing. Allele origin: germline.
Comment: Variant summary: KCNJ11 c.560C>T (p.Ala187Val) results in a non-conservative amino acid change in the encoded protein sequence. Algorithms developed to predict the effect of missense changes on protein structure and function all suggest that this variant is likely to be disruptive. The variant was absent in 247860 control chromosomes. c.560C>T has been observed in individual(s) affected with Congenital Hyperinsulinism (CHI) with diffuse-, focal- and unspecified forms of the disease (e.g. Fournet_2001, Park_2011, Vela-Amieva_2024), and in at least one case affected with diffuse CHI, the presence of another pathogenic variant in trans was reported. These data indicate that the variant is likely to be associated with disease. To our knowledge, no experimental evidence demonstrating an impact on protein function has been reported. The following publications have been ascertained in the context of this evaluation (PMID: 11395395, 16416420, 18767144, 21422196, 39519275). ClinVar contains an entry for this variant (Variation ID: 551187). Based on the evidence outlined above, the variant was classified as likely pathogenic.

Natera, Inc.
Classification: Likely pathogenic for Permanent neonatal diabetes mellitus. Last evaluated: 2024-02-27. Review status: criteria provided, single submitter. Criteria: Natera Variant Classification Schema (03/2026). Collection method: clinical testing. Allele origin: germline.
Comment: The c.560C>T variant in KCNJ11 is a missense variant predicted to cause substitution of alanine to valine at amino acid 187. This variant is rare in the general population with a frequency below the threshold expected for the associated phenotype(s). This variant has been observed in affected individual(s) with monoallelic occurrence (heterozygous/hemizygous) (PMID: 11395395, 34465386). Computational prediction algorithms indicate this variant is likely to affect gene or protein function. Given the available evidence, this variant is classified as Likely Pathogenic.

Labcorp Genetics (formerly Invitae), Labcorp
Classification: Pathogenic. Last evaluated: 2023-10-03. Review status: criteria provided, single submitter. Criteria: Invitae Variant Classification Sherloc (09022015). Collection method: clinical testing. Allele origin: germline.
Comment: This sequence change replaces alanine, which is neutral and non-polar, with valine, which is neutral and non-polar, at codon 187 of the KCNJ11 protein (p.Ala187Val). This variant is not present in population databases (gnomAD no frequency). This missense change has been observed in individual(s) with autosomal recessive congenital hyperinsulinism and/or focal congenital hyperinsulinism (PMID: 11395395, 21422196, 21812132). In at least one individual the data is consistent with being in trans (on the opposite chromosome) from a pathogenic variant. ClinVar contains an entry for this variant (Variation ID: 551187). Advanced modeling of protein sequence and biophysical properties (such as structural, functional, and spatial information, amino acid conservation, physicochemical variation, residue mobility, and thermodynamic stability) performed at Invitae indicates that this missense variant is expected to disrupt KCNJ11 protein function. This variant disrupts the p.Ala187 amino acid residue in KCNJ11. Other variant(s) that disrupt this residue have been observed in individuals with KCNJ11-related conditions (PMID: 21422196, 23652837), which suggests that this may be a clinically significant amino acid residue. For these reasons, this variant has been classified as Pathogenic.

Counsyl
Classification: Likely pathogenic for Hyperinsulinemic hypoglycemia, familial, 2; Permanent neonatal diabetes mellitus 1; Diabetes mellitus, transient neonatal, 3. Last evaluated: 2017-03-21. Review status: no assertion criteria provided. Collection method: clinical testing. Allele origin: unknown. Not counted in ClinVar's aggregate classification.

Clinical Genomics, Uppaluri K&H Personalized Medicine Clinic
Classification: Uncertain significance for Maturity-onset diabetes of the young. Review status: flagged submission. Criteria: K & H Uppaluri Personalized Medicine Clinic Variant Classification & Assertion Criteria_Updated V.1. Collection method: research. Allele origin: somatic. Inheritance: Autosomal dominant inheritance. Not counted in ClinVar's aggregate classification.
Comment: Mutations in KCNJ11 gene can cause decreased production and secretion of insulin. This can lead to MODY which may be responsive to oral sulfonylureas. It is also associated with Neonatal Diabetes. However, no sufficient evidence is found to ascertain the role of this particular variant (rs1371185696) in MODY yet.
ClinVar note: Reason: Outlier claim with insufficient supporting evidence

Literature cited by the submitters: PubMed 11395395 (cited by 4 submitters); PubMed 16416420 (cited by Women's Health and Genetics/Laboratory Corporation of America, LabCorp); PubMed 18767144 (cited by Women's Health and Genetics/Laboratory Corporation of America, LabCorp and Clinical Genomics, Uppaluri K&H Personalized Medicine Clinic); PubMed 21422196 (cited by 3 submitters); PubMed 39519275 (cited by Women's Health and Genetics/Laboratory Corporation of America, LabCorp); PubMed 34465386 (cited by Natera, Inc.); PubMed 21812132 (cited by Labcorp Genetics (formerly Invitae), Labcorp and Counsyl); PubMed 23652837 (cited by Labcorp Genetics (formerly Invitae), Labcorp); PubMed 26448950 (cited by Clinical Genomics, Uppaluri K&H Personalized Medicine Clinic); PubMed 15580558 (cited by Clinical Genomics, Uppaluri K&H Personalized Medicine Clinic); PubMed 15718250 (cited by Clinical Genomics, Uppaluri K&H Personalized Medicine Clinic); PubMed 32935446 (cited by Clinical Genomics, Uppaluri K&H Personalized Medicine Clinic); PubMed 22701567 (cited by Clinical Genomics, Uppaluri K&H Personalized Medicine Clinic).